The following is an entry in ClinVar:

NM_015466.4(PTPN23):c.806G>A (p.Arg269Gln)

Gene: PTPN23 (protein tyrosine phosphatase non-receptor type 23; plus strand). Cytogenetic location: 3p21.31.
Variant type: single nucleotide variant.
Coding change: c.806G>A on transcript NM_015466.4 (MANE Select); coding-DNA position 806, G replaced by A.
Protein change: p.Arg269Gln; replaces arginine 269 with glutamine.
Molecular consequence: missense variant.
Genome position (GRCh38, 1-based): chr3:47,406,749, G>A. VCF-style: chr3-47406749-G-A. GRCh37 (hg19) VCF-style: chr3-47448239-G-A.
Other names: c.428G>A, p.Arg143Gln (NM_001304482.2); short protein forms R143Q, R269Q.
Identifiers: ClinVar variation 2189003 (VCV002189003.3), dbSNP rs148327878, ClinGen allele CA2365489.

ClinVar aggregate classification (germline): Uncertain significance. Review status: criteria provided, multiple submitters, no conflicts (2 of 4 stars). 2 submissions from 2 submitters: Uncertain significance (2). Last evaluated 2026-02-02.

Allele frequency attached by ClinVar (database versions not stated): gnomAD 0.00007; ESP Exome Variant Server 0.00008; ExAC 0.00014; TOPMed 0.00014.
gnomAD v4.1: 168 of 1,613,478 alleles (0.01%); highest among the groups gnomAD compares: Admixed American, 0.02%; no homozygotes.

Submissions (2):

Labcorp Genetics (formerly Invitae), Labcorp
Classification: Uncertain significance. Last evaluated: 2026-02-02. Review status: criteria provided, single submitter. Criteria: Invitae Variant Classification Sherloc (09022015). Collection method: clinical testing. Allele origin: germline.
Comment: This sequence change replaces arginine, which is basic and polar, with glutamine, which is neutral and polar, at codon 269 of the PTPN23 protein (p.Arg269Gln). This variant is present in population databases (rs148327878, gnomAD 0.03%). This variant has not been reported in the literature in individuals affected with PTPN23-related conditions. ClinVar contains an entry for this variant (Variation ID: 2189003). An algorithm developed to predict the effect of missense changes on protein structure and function outputs the following: PolyPhen-2: "Not Available". The glutamine amino acid residue is found in multiple mammalian species, which suggests that this missense change does not adversely affect protein function. In summary, the available evidence is currently insufficient to determine the role of this variant in disease. Therefore, it has been classified as a Variant of Uncertain Significance.

Blueprint Genetics
Classification: Uncertain significance. Last evaluated: 2024-10-30. Review status: criteria provided, single submitter. Criteria: ACMG Guidelines, 2015. Collection method: clinical testing. Allele origin: germline.